The following is an entry in ClinVar:

ClinVar aggregate classification (germline): Pathogenic/Likely pathogenic. Review status: criteria provided, multiple submitters, no conflicts (2 of 4 stars). 3 submissions from 3 submitters: Pathogenic (2); Likely pathogenic (1). Last evaluated 2025-10-30.

Conditions:
Familial hypobetalipoproteinemia 1. Also called: APOB-Related Familial Hypobetalipoproteinemia; Hypobetalipoproteinemia, normotriglyceridemic; Acanthocytosis with hypobetalipoproteinemia. Identifiers: MedGen C4551990, MONDO:0014252, OMIM 615558.
Hypercholesterolemia, autosomal dominant, type B (FHCL2). Also called: Familial Hypercholesterolemia Type B; APOLIPOPROTEIN B-100, FAMILIAL DEFECTIVE; APOLIPOPROTEIN B-100, FAMILIAL LIGAND-DEFECTIVE; HYPERCHOLESTEROLEMIA, FAMILIAL, DUE TO LIGAND-DEFECTIVE APOLIPOPROTEIN B; APOB-Related Familial Hypercholesterolemia, Autosomal Dominant; Familial hypercholesterolemia 2. Identifiers: MedGen C1704417, MONDO:0007751, OMIM 144010.
Autosomal semidominant APOB-related disorders.
Cardiovascular phenotype. Identifiers: MedGen CN230736.

Submissions (3):

Ambry Genetics
Classification: Pathogenic for Cardiovascular phenotype. Last evaluated: 2025-10-30. Review status: criteria provided, single submitter. Criteria: Ambry Variant Classification Scheme 2023. Collection method: clinical testing. Allele origin: germline.
Comment: The c.8075_8076dupAT pathogenic mutation, located in coding exon 26 of the APOB gene, results from a duplication of AT at nucleotide position 8075, causing a translational frameshift with a predicted alternate stop codon (p.L2693Ifs*5). This variant is considered to be rare based on population cohorts in the Genome Aggregation Database (gnomAD). Although biallelic loss of function alterations in APOB have been associated with autosomal recessive hypobetalipoproteinemia, haploinsufficiency for APOB has not been clearly established as a mechanism of disease for autosomal dominant familial hypercholesterolemia. Based on the supporting evidence, this variant would be expected to cause autosomal recessive hypobetalipoproteinemia when present along with a second pathogenic or likely pathogenic variant on the other allele; however, the association of this alteration with autosomal dominant familial hypercholesterolemia is unlikely.

Variantyx, Inc.
Classification: Likely pathogenic for Autosomal semidominant APOB-related disorders. Last evaluated: 2025-03-17. Review status: criteria provided, single submitter. Criteria: Variantyx Assertion Criteria 2022. Collection method: clinical testing. Allele origin: germline. Inheritance: Semidominant inheritance.
Comment: This is a frameshift variant in the APOB gene (OMIM: 107730). Pathogenic variants in this gene have been associated with autosomal semidominant APOB-related disorders. This variant introduces a premature termination codon in exon 26 out of 29 and is expected to result in loss of function, which is a known disease mechanism for APOB in these disorders (PMID: 27179706, 1527480, 2843815) (PVS1). This variant has a 0.0001% maximum allele frequency in non-founder control populations (PM2). Based on the current evidence, this variant is classified as likely pathogenic for autosomal semidominant APOB-related disorders.

Labcorp Genetics (formerly Invitae), Labcorp
Classification: Pathogenic for Familial hypobetalipoproteinemia 1; Hypercholesterolemia, autosomal dominant, type B. Last evaluated: 2025-01-29. Review status: criteria provided, single submitter. Criteria: Invitae Variant Classification Sherloc (09022015). Collection method: clinical testing. Allele origin: germline.
Comment: This sequence change creates a premature translational stop signal (p.Leu2693Ilefs*5) in the APOB gene. It is expected to result in an absent or disrupted protein product. Loss-of-function variants in APOB are known to be pathogenic (PMID: 20032471). This variant is not present in population databases (gnomAD no frequency). This variant has not been reported in the literature in individuals affected with APOB-related conditions. For these reasons, this variant has been classified as Pathogenic.

Literature cited by the submitters: PubMed 27179706 (cited by Variantyx, Inc.); PubMed 1527480 (cited by Variantyx, Inc.); PubMed 2843815 (cited by Variantyx, Inc.); PubMed 20032471 (cited by Labcorp Genetics (formerly Invitae), Labcorp).

NM_000384.3(APOB):c.8075_8076dup (p.Leu2693fs)

Gene: APOB (apolipoprotein B; minus strand). Cytogenetic location: 2p24.1.
Variant type: Microsatellite.
Coding change: c.8075_8076dup on transcript NM_000384.3 (MANE Select); coding-DNA positions 8075 to 8076, 2 bases duplicated (AT; older notation c.8075_8076dupAT).
Protein change: p.Leu2693fs; shifts the reading frame from leucine 2693.
Molecular consequence: frameshift variant.
Genome position (GRCh38, 1-based): chr2:21,008,792-21,008,793, AT duplicated on the plus strand (AT on the coding strand, the reverse complement: APOB is on the minus strand); duplicating any 2 consecutive bases within chr2:21,008,792-21,008,799 gives the same sequence; the c. name uses the placement nearest the transcript's 3' end. VCF-style (leftmost placement, unchanged base first): chr2-21008791-G-GAT. GRCh37 (hg19) VCF-style: chr2-21231663-G-GAT.
Other names: c.8075_8076dupAT (NM_000384.2); short protein forms L2693fs.
Identifiers: ClinVar variation 1364654 (VCV001364654.8), dbSNP rs2103354801, ClinGen allele CA2580611258.
Genomic context (GRCh38, chr2:21,008,791, plus strand): 5'-AACGGAAGTCTGGCAGGGTGATTCTCGCTAGAGGAATGTCCTCCACCTTCAGATCCCTGA[G>GAT]ATATATATCTGGAACGGGCCACTGCAGCTCACTGTTCAGCATCTGGTCAATGGTTCTGAT-3'